The following is an entry in ClinVar:

NM_001382.4(DPAGT1):c.1133A>T (p.Asn378Ile)

Gene: DPAGT1 (dolichyl-phosphate N-acetylglucosaminephosphotransferase 1; minus strand). Cytogenetic location: 11q23.3.
Variant type: single nucleotide variant.
Coding change: c.1133A>T on transcript NM_001382.4 (MANE Select); coding-DNA position 1133, A replaced by T.
Protein change: p.Asn378Ile; replaces asparagine 378 with isoleucine.
Molecular consequence: missense variant.
Genome position (GRCh38, 1-based): chr11:119,097,170, T>A on the plus strand (A>T on the coding strand, the complement: DPAGT1 is on the minus strand). VCF-style: chr11-119097170-T-A. GRCh37 (hg19) VCF-style: chr11-118967880-T-A.
Other names: short protein forms N378I.
Identifiers: ClinVar variation 3233256 (VCV003233256.2), dbSNP rs972565409.

ClinVar aggregate classification (germline): Pathogenic (1 of 4 stars; one submission).

Conditions:
Myopathy with tubular aggregates (TAM). Also called: Tubular Aggregate Myopathy. Identifiers: Orphanet 2593, MedGen C0410207, MONDO:0008051.

Submission:

Muscle and Diseases Team, Institut de Génétique et Biologie Moléculaire et Cellulaire
Classification: Pathogenic for Myopathy with tubular aggregates. Last evaluated: 2024-03-01. Review status: criteria provided, single submitter. Criteria: ACMG Guidelines, 2015. Collection method: research. Allele origin: germline. Affected: yes. Observed: 1 variant allele.
Comment: PS3+PM1+PM2+PP2+PP3+PP4

Literature cited by the submitters: DOI 10.1186/s13073-024-01353-0; PubMed 38124360.